The following is an entry in ClinVar:

ClinVar aggregate classification (germline): Likely pathogenic (1 of 4 stars; one submission).

Conditions:
Glycogen storage disease, type II (IOPD). Also called: Pompe Disease; CARDIOMEGALIA GLYCOGENICA DIFFUSA; GLYCOGENOSIS, GENERALIZED, CARDIAC FORM; GSD II; POMPE DISEASE, INFANTILE-ONSET; GLYCOGEN STORAGE DISEASE II, INFANTILE-ONSET. Identifiers: Orphanet 365, MedGen C0017921, MONDO:0009290, OMIM 232300.

Submission:

Genomenon, Inc
Classification: Likely pathogenic for Glycogen storage disease, type II. Last evaluated: 2026-07-01. Review status: criteria provided, single submitter. Criteria: Genomenon Sequence Variant Interpretation Standards - Updated. Collection method: curation. Allele origin: germline. Affected: no.
Comment: GAA p.Leu657CysfsTer39 (c.1969del) is a frameshift variant that is predicted to introduce a premature termination codon and result in a truncated or absent protein product. This variant has been reported in the published literature (PMID:28600779). It is absent or not present at a significant frequency in gnomAD. In conclusion, we classify GAA p.Leu657CysfsTer39 (c.1969del) as a likely pathogenic variant.

Literature cited by the submitters: PubMed 28600779.

NM_000152.5(GAA):c.1969del (p.Leu657fs)

Gene: GAA (alpha glucosidase; plus strand). Cytogenetic location: 17q25.3.
Variant type: Deletion.
Coding change: c.1969del on transcript NM_000152.5 (MANE Select); coding-DNA position 1969, one base deleted (C; older notation c.1969delC).
Protein change: p.Leu657fs; shifts the reading frame from leucine 657.
Molecular consequence: frameshift variant.
Genome position (GRCh38, 1-based): chr17:80,112,956, C deleted. VCF-style (leftmost placement, unchanged base first): chr17-80112955-GC-G. GRCh37 (hg19) VCF-style: chr17-78086754-GC-G.
Other names: c.1969del, p.Leu657fs (NM_001079803.3, NM_001079804.3, NM_001406741.1 and 1 more transcripts); short protein forms L657fs.
Identifiers: ClinVar variation 4876587 (VCV004876587.1).